The following is an entry in ClinVar:

NM_001384140.1(PCDH15):c.4672-1601G>T

Gene: PCDH15 (protocadherin related 15; minus strand). Cytogenetic location: 10q21.1.
Variant type: single nucleotide variant.
Coding change: c.4672-1601G>T on transcript NM_001384140.1 (MANE Select); 1601 bases into the intron before coding-DNA position 4672, G replaced by T.
Molecular consequence: intron variant. On other transcripts: synonymous variant (2), 3 prime UTR variant (1).
Genome position (GRCh38, 1-based): chr10:53,808,731, C>A on the plus strand (G>T on the coding strand, the complement: PCDH15 is on the minus strand). VCF-style: chr10-53808731-C-A. GRCh37 (hg19) VCF-style: chr10-55568491-C-A.
Other names: c.5334G>T, p.Ser1778= (NM_001142769.4); c.*749G>T (NM_001142770.3); c.5313G>T, p.Ser1771= (NM_001354411.2); c.4477-1601G>T (NM_001354420.2); c.4606-1601G>T (NM_001354429.2); c.4483-1601G>T (NM_001142772.2); c.4498-1601G>T (NM_001142771.2).
Identifiers: ClinVar variation 3030339 (VCV003030339.2), dbSNP rs756591693, ClinGen allele CA469545993.
Genomic context (GRCh38, chr10:53,808,731, plus strand): 5'-TTCCACCTACTGTGATCTCTTTCAAAGTGCTGTGTTGTAACCTTCAGAGTTTGCTCCTGG[C>A]GACTTCTTTTGGTTTGCATTCTTGCTTCTGTCATACGCTGGTACCTGATAGCCCCATGGA-3'

ClinVar aggregate classification (germline): Likely benign (0 of 4 stars; one submission).

Conditions:
PCDH15-related disorder. Also called: PCDH15-related disorders; PCDH15-related condition.

gnomAD v4.1: 2 of 1,612,976 alleles (0.00012%); highest among the groups gnomAD compares: Non-Finnish European, 0.00017%; no homozygotes.

Submission:

PreventionGenetics, part of Exact Sciences
Classification: Likely benign for PCDH15-related condition. Last evaluated: 2023-07-10. Review status: no assertion criteria provided. Collection method: clinical testing. Allele origin: germline.
Comment: This variant is classified as likely benign based on ACMG/AMP sequence variant interpretation guidelines (Richards et al. 2015 PMID: 25741868, with internal and published modifications).